The following is an entry in ClinVar:

NM_003722.5(TP63):c.303G>A (p.Ser101=)

Gene: TP63 (tumor protein p63; plus strand). Cytogenetic location: 3q28.
Variant type: single nucleotide variant.
Coding change: c.303G>A on transcript NM_003722.5 (MANE Select); coding-DNA position 303, G replaced by A.
Protein change: p.Ser101=; no amino-acid change (serine 101 retained).
Molecular consequence: synonymous variant.
Genome position (GRCh38, 1-based): chr3:189,738,753, G>A. VCF-style: chr3-189738753-G-A. GRCh37 (hg19) VCF-style: chr3-189456542-G-A.
Other names: c.303G>A, p.Ser101= (NM_001114978.2, NM_001114979.2, NM_001329144.2 and 1 more transcripts); c.297G>A, p.Ser99= (NM_001329964.2).
Identifiers: ClinVar variation 344380 (VCV000344380.13), dbSNP rs186864205, ClinGen allele CA2752072.

ClinVar aggregate classification (germline): Conflicting classifications of pathogenicity. Review status: criteria provided, conflicting classifications (1 of 4 stars). 5 submissions from 3 submitters: Uncertain significance (1); Benign (3); Likely benign (1). Last evaluated 2024-12-16.

Conditions:
TP63-Related Spectrum Disorders.
Ectrodactyly, ectodermal dysplasia, and cleft lip-palate syndrome 3. Also called: Ectrodactyly, Ectodermal Dysplasia, Clefting Syndrome; EEC SYNDROME 3; Ectrodactyly, Ectodermal Dysplasia, Clefting Syndrome Type 3 (EEC3); Ectrodactyly, Ectodermal Dysplasia, Cleft Lip/Palate Syndrome 3 (EEC3). Identifiers: Orphanet 1896, MedGen C1858562, MONDO:0011428, OMIM 604292.
Orofacial cleft 8. Also called: Cleft lip with or without cleft palate, nonsyndromic, 8. Identifiers: MedGen C1851878, MONDO:0029145, OMIM 618149.

Allele frequency attached by ClinVar (database versions not stated): gnomAD 0.00001 and 0.00004; TOPMed 0.00004; gnomAD exomes 0.00009 and 0.00023; ExAC 0.00027; 1000 Genomes Project 0.00040; 1000 Genomes Project 30x 0.00047.
gnomAD v4.1: 141 of 1,614,076 alleles (0.0087%); highest among the groups gnomAD compares: East Asian, 0.091%; 1 homozygote.

Submissions (5):

Labcorp Genetics (formerly Invitae), Labcorp
Classification: Benign. Last evaluated: 2024-12-16. Review status: criteria provided, single submitter. Criteria: Invitae Variant Classification Sherloc (09022015). Collection method: clinical testing. Allele origin: germline.

Blueprint Genetics
Classification: Likely benign. Last evaluated: 2024-09-09. Review status: criteria provided, single submitter. Criteria: ACMG Guidelines, 2015. Collection method: clinical testing. Allele origin: germline.

Illumina Laboratory Services, Illumina
Classification: Benign for Ectrodactyly, ectodermal dysplasia, and cleft lip-palate syndrome 3. Last evaluated: 2018-01-13. Review status: criteria provided, single submitter. Criteria: ICSL Variant Classification Criteria 13 December 2019. Collection method: clinical testing. Allele origin: germline.
Comment: This variant was observed in the ICSL laboratory as part of a predisposition screen in an ostensibly healthy population. It had not been previously curated by ICSL or reported in the Human Gene Mutation Database (HGMD: prior to June 1st, 2018), and was therefore a candidate for classification through an automated scoring system. Utilizing variant allele frequency, disease prevalence and penetrance estimates, and inheritance mode, an automated score was calculated to assess if this variant is too frequent to cause the disease. Based on the score and internal cut-off values, a variant classified as benign is not then subjected to further curation. The score for this variant resulted in a classification of benign for this disease.

Illumina Laboratory Services, Illumina
Classification: Benign for TP63-Related Spectrum Disorders. Last evaluated: 2018-01-13. Review status: criteria provided, single submitter. Criteria: ICSL Variant Classification Criteria 13 December 2019. Collection method: clinical testing. Allele origin: germline.
Comment: the same text as in the submission from Illumina Laboratory Services, Illumina above.

Illumina Laboratory Services, Illumina
Classification: Uncertain significance for Orofacial cleft 8. Last evaluated: 2018-01-13. Review status: criteria provided, single submitter. Criteria: ICSL Variant Classification Criteria 13 December 2019. Collection method: clinical testing. Allele origin: germline.